The following is an entry in ClinVar:

ClinVar aggregate classification (germline): Uncertain significance (1 of 4 stars; one submission).

Submission:

GeneDx
Classification: Uncertain significance. Last evaluated: 2023-07-18. Review status: criteria provided, single submitter. Criteria: GeneDx Variant Classification Process June 2021. Collection method: clinical testing. Allele origin: germline. Affected: yes.
Comment: Not observed at significant frequency in large population cohorts (gnomAD); In silico analysis supports that this missense variant does not alter protein structure/function; Has not been previously published as pathogenic or benign to our knowledge

NM_004722.4(AP4M1):c.385A>G (p.Met129Val)

Gene: AP4M1 (adaptor related protein complex 4 subunit mu 1; plus strand). Cytogenetic location: 7q22.1.
Variant type: single nucleotide variant.
Coding change: c.385A>G on transcript NM_004722.4 (MANE Select); coding-DNA position 385, A replaced by G.
Protein change: p.Met129Val; replaces methionine 129 with valine.
Molecular consequence: missense variant.
Genome position (GRCh38, 1-based): chr7:100,103,442, A>G. VCF-style: chr7-100103442-A-G. GRCh37 (hg19) VCF-style: chr7-99701065-A-G.
Other names: c.406A>G, p.Met136Val (NM_001363671.2); short protein forms M129V, M136V.
Identifiers: ClinVar variation 3360955 (VCV003360955.1).
Genomic context (GRCh38, chr7:100,103,442, plus strand): 5'-CTCAGACTGTCCTTCCTTTACCACTAGGACTATGGCTATGTACAGACCACATCCACGGAG[A>G]TGCTGAGGAATTTCATCCAGACGGAAGCTGTGGTCAGCAAGCCCTTCAGCCTCTTTGACC-3'
Protein context (NP_004713.2, residues 119-139): YGYVQTTSTE[Met129Val]LRNFIQTEAV